The following is an entry in ClinVar:

NM_024876.4(COQ8B):c.1055C>G (p.Thr352Arg)

Gene: COQ8B (coenzyme Q8B; minus strand). Cytogenetic location: 19q13.2.
Variant type: single nucleotide variant.
Coding change: c.1055C>G on transcript NM_024876.4 (MANE Select); coding-DNA position 1055, C replaced by G.
Protein change: p.Thr352Arg; replaces threonine 352 with arginine.
Molecular consequence: missense variant.
Genome position (GRCh38, 1-based): chr19:40,700,155, G>C on the plus strand (C>G on the coding strand, the complement: COQ8B is on the minus strand). VCF-style: chr19-40700155-G-C. GRCh37 (hg19) VCF-style: chr19-41206060-G-C.
Other names: c.932C>G, p.Thr311Arg (NM_001142555.3); short protein forms T352R, T311R.
Identifiers: ClinVar variation 380101 (VCV000380101.16), dbSNP rs36012476, ClinGen allele CA9450162.

ClinVar aggregate classification (germline): Benign/Likely benign. Review status: criteria provided, multiple submitters, no conflicts (2 of 4 stars). 6 submissions from 6 submitters: Benign (3); Likely benign (2). 1 of the submissions does not count toward it. Last evaluated 2026-01-30.

Conditions:
Kidney disorder. Also called: Nephropathy; Kidney disease; Kidney Diseases; renal disease; renal disorder. Identifiers: MedGen C0022658, MONDO:0005240, HP:0000112.

Allele frequency attached by ClinVar (database versions not stated): 1000 Genomes Project 30x 0.01296; 1000 Genomes Project 0.01318; TOPMed 0.03176; gnomAD 0.03290; ExAC 0.03345; ESP Exome Variant Server 0.03791.
gnomAD v4.1: 69,238 of 1,614,150 alleles (4.3%); highest among the groups gnomAD compares: Middle Eastern, 5.1%; 1,759 homozygotes.

Submissions (6):

Labcorp Genetics (formerly Invitae), Labcorp
Classification: Benign. Last evaluated: 2026-01-30. Review status: criteria provided, single submitter. Criteria: Invitae Variant Classification Sherloc (09022015). Collection method: clinical testing. Allele origin: germline.

Blueprint Genetics
Classification: Likely benign. Last evaluated: 2024-11-28. Review status: criteria provided, single submitter. Criteria: ACMG Guidelines, 2015. Collection method: clinical testing. Allele origin: germline.

Genome Diagnostics Laboratory, The Hospital for Sick Children
Classification: Likely benign for Kidney disorder. Last evaluated: 2019-04-01. Review status: criteria provided, single submitter. Criteria: ACMG Guidelines, 2015. Collection method: clinical testing. Allele origin: germline.

GeneDx
Classification: Benign. Last evaluated: 2016-01-25. Review status: criteria provided, single submitter. Criteria: GeneDx Variant Classification (06012015). Collection method: clinical testing. Allele origin: germline. Affected: yes.
Comment: This variant is considered likely benign or benign based on one or more of the following criteria: it is a conservative change, it occurs at a poorly conserved position in the protein, it is predicted to be benign by multiple in silico algorithms, and/or has population frequency not consistent with disease.

Breakthrough Genomics
Classification: Benign. Review status: criteria provided, single submitter. Criteria: ACMG Guidelines, 2015. Collection method: not provided. Allele origin: germline. Inheritance: Autosomal recessive inheritance. Affected: yes.

Mayo Clinic Laboratories, Mayo Clinic
Classification: Likely benign. Last evaluated: 2016-02-23. Review status: no assertion criteria provided. Collection method: clinical testing. Allele origin: unknown. Not counted in ClinVar's aggregate classification.